The following is an entry in ClinVar:

NM_006445.4(PRPF8):c.3046G>A (p.Val1016Ile)

Gene: PRPF8 (pre-mRNA processing factor 8; minus strand). Cytogenetic location: 17p13.3.
Variant type: single nucleotide variant.
Coding change: c.3046G>A on transcript NM_006445.4 (MANE Select); coding-DNA position 3046, G replaced by A.
Protein change: p.Val1016Ile; replaces valine 1016 with isoleucine.
Molecular consequence: missense variant.
Genome position (GRCh38, 1-based): chr17:1,675,166, C>T on the plus strand (G>A on the coding strand, the complement: PRPF8 is on the minus strand). VCF-style: chr17-1675166-C-T. GRCh37 (hg19) VCF-style: chr17-1578460-C-T.
Other names: c.3046G>A (NM_006445.3); short protein forms V1016I.
Identifiers: ClinVar variation 1491153 (VCV001491153.10), dbSNP rs1008559652, ClinGen allele CA286806324.

ClinVar aggregate classification (germline): Uncertain significance. Review status: criteria provided, multiple submitters, no conflicts (2 of 4 stars). 3 submissions from 3 submitters: Uncertain significance (3). Last evaluated 2025-08-19.

Conditions:
Inborn genetic diseases. Identifiers: MedGen C0950123, MeSH D030342.

Allele frequency attached by ClinVar (database versions not stated): gnomAD exomes below 0.00001; TOPMed 0.00001.
gnomAD v4.1: 3 of 1,613,746 alleles (0.00019%); highest among the groups gnomAD compares: Non-Finnish European, 0.00025%; no homozygotes.

Submissions (3):

Ambry Genetics
Classification: Uncertain significance for Inborn genetic diseases. Last evaluated: 2025-08-19. Review status: criteria provided, single submitter. Criteria: Ambry Variant Classification Scheme 2023. Collection method: clinical testing. Allele origin: germline.

Blueprint Genetics
Classification: Uncertain significance. Last evaluated: 2021-11-19. Review status: criteria provided, single submitter. Criteria: ACMG Guidelines, 2015. Collection method: clinical testing. Allele origin: germline.

Labcorp Genetics (formerly Invitae), Labcorp
Classification: Uncertain significance. Last evaluated: 2021-02-15. Review status: criteria provided, single submitter. Criteria: Invitae Variant Classification Sherloc (09022015). Collection method: clinical testing. Allele origin: germline.
Comment: In summary, the available evidence is currently insufficient to determine the role of this variant in disease. Therefore, it has been classified as a Variant of Uncertain Significance. This sequence change replaces valine with isoleucine at codon 1016 of the PRPF8 protein (p.Val1016Ile). The valine residue is highly conserved and there is a small physicochemical difference between valine and isoleucine. This variant is not present in population databases (ExAC no frequency). This variant has not been reported in the literature in individuals with PRPF8-related conditions. Algorithms developed to predict the effect of missense changes on protein structure and function (SIFT, PolyPhen-2, Align-GVGD) all suggest that this variant is likely to be tolerated, but these predictions have not been confirmed by published functional studies and their clinical significance is uncertain.